The following is an entry in ClinVar:

ClinVar aggregate classification (germline): Uncertain significance (1 of 4 stars; one submission).

Conditions:
PFKL-related disorder. Also called: PFKL-related condition.

gnomAD v4.1: 35 of 1,612,976 alleles (0.0022%); highest among the groups gnomAD compares: Admixed American, 0.022%; no homozygotes.

Submission:

PreventionGenetics, part of Exact Sciences
Classification: Uncertain significance for PFKL-related condition. Last evaluated: 2025-05-23. Review status: criteria provided, single submitter. Criteria: ACMG Guidelines, 2015. Collection method: clinical testing. Allele origin: germline.
Comment: The PFKL c.625G>A variant is predicted to result in the amino acid substitution p.Ala209Thr. To our knowledge, this variant has not been reported in the literature. This variant is reported in 0.032% of alleles in individuals of Latino descent in gnomAD. At this time, the clinical significance of this variant is uncertain due to the absence of conclusive functional and genetic evidence.

NM_002626.6(PFKL):c.475G>A (p.Ala159Thr)

Gene: PFKL (phosphofructokinase, liver type; plus strand). Cytogenetic location: 21q22.3.
Variant type: single nucleotide variant.
Coding change: c.475G>A on transcript NM_002626.6 (MANE Select); coding-DNA position 475, G replaced by A.
Protein change: p.Ala159Thr; replaces alanine 159 with threonine.
Molecular consequence: missense variant.
Genome position (GRCh38, 1-based): chr21:44,313,025, G>A. VCF-style: chr21-44313025-G-A. GRCh37 (hg19) VCF-style: chr21-45732908-G-A.
Other names: c.625G>A, p.Ala209Thr (NM_001002021.3); short protein forms A159T, A209T.
Identifiers: ClinVar variation 4990797 (VCV004990797.1).